The following continues an entry in ClinVar:

NM_000441.2(SLC26A4):c.2168A>G (p.His723Arg)

ClinVar aggregate classification (germline): Pathogenic/Likely pathogenic. Pathogenic (20); Likely pathogenic (2).

Submissions 24 to 29 of 29:

The Core Laboratory in Medical Center of Clinical Research, Shanghai Ninth People's Hospital, Shanghai Jiaotong University School of Medicine
Classification: Pathogenic for Pendred syndrome. Last evaluated: 2020-05-12. Review status: no assertion criteria provided. Collection method: clinical testing. Allele origin: inherited. Affected: yes. Observed: 1 variant allele. Not counted in ClinVar's aggregate classification.

Genetic Testing Center for Deafness, Department of Otolaryngology Head & Neck Surgery, Institute of Otolaryngology, Chinese PLA General Hospital
Classification: Likely pathogenic for Autosomal recessive nonsyndromic hearing loss 4. Last evaluated: 2019-02-26. Review status: no assertion criteria provided. Collection method: case-control. Allele origin: inherited. Affected: yes. Observed: 4 variant alleles. Clinical features observed: hearing loss. Not counted in ClinVar's aggregate classification.

OMIM
Classification: Pathogenic for DEAFNESS, AUTOSOMAL RECESSIVE 4, WITH ENLARGED VESTIBULAR AQUEDUCT. Last evaluated: 2008-07-01. Review status: no assertion criteria provided. Collection method: literature only. Allele origin: germline. Not counted in ClinVar's aggregate classification.

OMIM
Classification: Pathogenic for PENDRED SYNDROME. Last evaluated: 2008-07-01. Review status: no assertion criteria provided. Collection method: literature only. Allele origin: germline. Not counted in ClinVar's aggregate classification.

GeneReviews
No classification provided. Condition: Pendred syndrome. Review status: no classification provided. Collection method: literature only. Allele origin: germline. Not counted in ClinVar's aggregate classification.

Department of Pediatrics, Graduate School of Medical Sciences, Kyushu University
Classification: Uncertain significance for Congenital portosystemic shunt. Last evaluated: 2026-02-27. Review status: flagged submission. Criteria: ACMG Guidelines, 2015. Collection method: research. Allele origin: germline. Affected: yes. Not counted in ClinVar's aggregate classification.
Comment: The variant is absent or extremely rare in population databases including gnomAD. In silico prediction tools, including CADD, suggest a deleterious effect on the protein. However, the association between this gene and CPSS has not been established. Therefore, the clinical significance of this variant is currently classified as a variant of uncertain significance (VUS).
ClinVar note: Reason: Outlier claim with insufficient supporting evidence

Literature cited by the submitters: PubMed 11405873 (cited by Labcorp Genetics (formerly Invitae), Labcorp); PubMed 17322586 (cited by 3 submitters); PubMed 20583162 (cited by Labcorp Genetics (formerly Invitae), Labcorp and Laboratory for Molecular Medicine, Mass General Brigham Personalized Medicine); PubMed 22884721 (cited by Labcorp Genetics (formerly Invitae), Labcorp and Women's Health and Genetics/Laboratory Corporation of America, LabCorp); PubMed 23705809 (cited by Labcorp Genetics (formerly Invitae), Labcorp); PubMed 24338212 (cited by Labcorp Genetics (formerly Invitae), Labcorp); PubMed 35159965 (cited by Keimyung University Dongsan Hospital, Keimyung University School of Medicine); PubMed 31427586 (cited by Natera, Inc.); PubMed 9618166 (cited by 4 submitters); PubMed 19040761 (cited by 3billion and Laboratory for Molecular Medicine, Mass General Brigham Personalized Medicine); PubMed 23918157 (cited by 3billion); PubMed 26900070 (cited by Women's Health and Genetics/Laboratory Corporation of America, LabCorp); PubMed 32165640 (cited by Women's Health and Genetics/Laboratory Corporation of America, LabCorp); PubMed 20301640 (cited by Victorian Clinical Genetics Services, Murdoch Childrens Research Institute); PubMed 18310264 (cited by 6 submitters); PubMed 20826203 (cited by 3 submitters); PubMed 26035154 (cited by Molecular Diagnostics Lab, Nemours Children's Health, Delaware); PubMed 24007330 (cited by Myriad Genetics, Inc.); PubMed 17718863 (cited by Myriad Genetics, Inc. and OMIM); PubMed 10190331 (cited by Laboratory for Molecular Medicine, Mass General Brigham Personalized Medicine and OMIM); PubMed 12676893 (cited by Laboratory for Molecular Medicine, Mass General Brigham Personalized Medicine and Illumina Laboratory Services, Illumina); PubMed 14508505 (cited by 3 submitters); PubMed 15933521 (cited by Laboratory for Molecular Medicine, Mass General Brigham Personalized Medicine); PubMed 17443271 (cited by Laboratory for Molecular Medicine, Mass General Brigham Personalized Medicine); PubMed 18585793 (cited by Laboratory for Molecular Medicine, Mass General Brigham Personalized Medicine); PubMed 19565036 (cited by Laboratory for Molecular Medicine, Mass General Brigham Personalized Medicine and Illumina Laboratory Services, Illumina); PubMed 19786220 (cited by Laboratory for Molecular Medicine, Mass General Brigham Personalized Medicine and Illumina Laboratory Services, Illumina); PubMed 31599023 (cited by National Institute of Sensory Organs, National Hospital Organization Tokyo Medical Center); PubMed 23185506 (cited by Illumina Laboratory Services, Illumina); PubMed 26683941 (cited by Illumina Laboratory Services, Illumina); PubMed 25999548 (cited by Illumina Laboratory Services, Illumina); PubMed 24599119 (cited by Illumina Laboratory Services, Illumina); PubMed 15679828 (cited by Illumina Laboratory Services, Illumina and OMIM); PubMed 12974744 (cited by OMIM); NCBI Bookshelf NBK1467 (cited by GeneReviews).